The following is an entry in ClinVar:

NM_001197104.2(KMT2A):c.74_90del (p.Arg25fs)

Gene: KMT2A (lysine methyltransferase 2A; plus strand). Cytogenetic location: 11q23.3.
Variant type: Deletion.
Coding change: c.74_90del on transcript NM_001197104.2 (MANE Select); coding-DNA positions 74 to 90, 17 bases deleted (GGGGCCTAGGGGGCGCC).
Protein change: p.Arg25fs; shifts the reading frame from arginine 25.
Molecular consequence: frameshift variant.
Genome position (GRCh38, 1-based): chr11:118,436,586-118,436,602, GGGGCCTAGGGGGCGCC deleted; deleting any 17 consecutive bases within chr11:118,436,577-118,436,602 gives the same sequence; the c. name uses the placement nearest the transcript's 3' end. VCF-style (leftmost placement, unchanged base first): chr11-118436576-GGGGGGCGCCGGGGCCTA-G. GRCh37 (hg19) VCF-style: chr11-118307291-GGGGGGCGCCGGGGCCTA-G.
Other names: c.74_90del, p.Arg25fs (NM_001412597.1, NM_005933.4); short protein forms R25fs.
Identifiers: ClinVar variation 4992547 (VCV004992547.1).

ClinVar aggregate classification (germline): Likely pathogenic (1 of 4 stars; one submission).

Conditions:
KMT2A-related disorder. Also called: KMT2A-related condition.

Submission:

PreventionGenetics, part of Exact Sciences
Classification: Likely pathogenic for KMT2A-related condition. Last evaluated: 2026-05-27. Review status: criteria provided, single submitter. Criteria: ACMG Guidelines, 2015. Collection method: clinical testing. Allele origin: germline.
Comment: The KMT2A c.74_90del17 variant is predicted to result in a frameshift and premature protein termination (p.Arg25Profs*116). To our knowledge, this variant has not been reported in the literature or in a large population database (gnomAD), indicating this variant is rare. Frameshift variants in KMT2A are expected to be pathogenic. This variant is interpreted as likely pathogenic.